The following is an entry in ClinVar:

NM_006280.3(SSR4):c.388C>T (p.Pro130Ser)

Gene: SSR4 (signal sequence receptor subunit 4; plus strand). Cytogenetic location: Xq28.
Variant type: single nucleotide variant.
Coding change: c.388C>T on transcript NM_006280.3 (MANE Select); coding-DNA position 388, C replaced by T.
Protein change: p.Pro130Ser; replaces proline 130 with serine.
Molecular consequence: missense variant.
Genome position (GRCh38, 1-based): chrX:153,798,107, C>T. VCF-style: chrX-153798107-C-T. GRCh37 (hg19) VCF-style: chrX-153063562-C-T.
Other names: c.421C>T, p.Pro141Ser (NM_001204526.2); c.412C>T, p.Pro138Ser (NM_001204527.2); short protein forms P130S, P138S, P141S.
Identifiers: ClinVar variation 3030643 (VCV003030643.3), dbSNP rs2520535071, ClinGen allele CA415187031.

ClinVar aggregate classification (germline): Uncertain significance (1 of 4 stars; one submission).

Conditions:
SSR4-related disorder. Also called: SSR4-related condition.

Allele frequency attached by ClinVar (database versions not stated): gnomAD exomes below 0.00001.

Submission:

PreventionGenetics, part of Exact Sciences
Classification: Uncertain significance for SSR4-related condition. Last evaluated: 2025-07-08. Review status: criteria provided, single submitter. Criteria: ACMG Guidelines, 2015. Collection method: clinical testing. Allele origin: germline.
Comment: The SSR4 c.421C>T variant is predicted to result in the amino acid substitution p.Pro141Ser. To our knowledge, this variant has not been reported in the literature or in a large population database, indicating this variant is rare. At this time, the clinical significance of this variant is uncertain due to the absence of conclusive functional and genetic evidence.